The following is an entry in ClinVar:

ClinVar aggregate classification (germline): Uncertain significance. Review status: criteria provided, multiple submitters, no conflicts (2 of 4 stars). 2 submissions from 2 submitters: Uncertain significance (2). Last evaluated 2026-06-27.

Conditions:
LRP2-related disorder. Also called: LRP2-related condition.

Allele frequency attached by ClinVar (database versions not stated): gnomAD exomes below 0.00001; TOPMed below 0.00001; gnomAD 0.00001.
gnomAD v4.1: 6 of 1,613,918 alleles (0.00037%); highest among the groups gnomAD compares: Non-Finnish European, 0.00042%; no homozygotes.

Submissions (2):

PreventionGenetics, part of Exact Sciences
Classification: Uncertain significance for LRP2-related condition. Last evaluated: 2026-06-27. Review status: criteria provided, single submitter. Criteria: ACMG Guidelines, 2015. Collection method: clinical testing. Allele origin: germline.
Comment: The LRP2 c.368G>A variant is predicted to result in the amino acid substitution p.Ser123Asn. To our knowledge, this variant has not been reported in the literature or in a large population database (gnomAD), indicating this variant is rare. At this time, the clinical significance of this variant is uncertain due to the absence of conclusive functional and genetic evidence.

Labcorp Genetics (formerly Invitae), Labcorp
Classification: Uncertain significance. Last evaluated: 2021-04-16. Review status: criteria provided, single submitter. Criteria: Invitae Variant Classification Sherloc (09022015). Collection method: clinical testing. Allele origin: germline.
Comment: This variant is not present in population databases (ExAC no frequency). This variant has not been reported in the literature in individuals with LRP2-related conditions. Advanced modeling of protein sequence and biophysical properties (such as structural, functional, and spatial information, amino acid conservation, physicochemical variation, residue mobility, and thermodynamic stability) performed at Invitae indicates that this missense variant is not expected to disrupt LRP2 protein function. In summary, the available evidence is currently insufficient to determine the role of this variant in disease. Therefore, it has been classified as a Variant of Uncertain Significance. This sequence change replaces serine with asparagine at codon 123 of the LRP2 protein (p.Ser123Asn). The serine residue is weakly conserved and there is a small physicochemical difference between serine and asparagine.

NM_004525.3(LRP2):c.368G>A (p.Ser123Asn)

Gene: LRP2 (LDL receptor related protein 2; minus strand). Cytogenetic location: 2q31.1.
Variant type: single nucleotide variant.
Coding change: c.368G>A on transcript NM_004525.3 (MANE Select); coding-DNA position 368, G replaced by A.
Protein change: p.Ser123Asn; replaces serine 123 with asparagine.
Molecular consequence: missense variant.
Genome position (GRCh38, 1-based): chr2:169,307,340, C>T on the plus strand (G>A on the coding strand, the complement: LRP2 is on the minus strand). VCF-style: chr2-169307340-C-T. GRCh37 (hg19) VCF-style: chr2-170163850-C-T.
Other names: c.368G>A (NM_004525.2); short protein forms S123N.
Identifiers: ClinVar variation 1480594 (VCV001480594.8), dbSNP rs1684446974, ClinGen allele CA349168474.